The following is an entry in ClinVar:

ClinVar aggregate classification (germline): Uncertain significance. Review status: criteria provided, multiple submitters, no conflicts (2 of 4 stars). 2 submissions from 2 submitters: Uncertain significance (2). Last evaluated 2025-10-02.

Allele frequency attached by ClinVar (database versions not stated): gnomAD exomes below 0.00001 and 0.00001; ExAC 0.00001; gnomAD 0.00001.
gnomAD v4.1: 9 of 1,613,952 alleles (0.00056%); highest among the groups gnomAD compares: South Asian, 0.0022%; no homozygotes.

Submissions (2):

Labcorp Genetics (formerly Invitae), Labcorp
Classification: Uncertain significance. Last evaluated: 2025-10-02. Review status: criteria provided, single submitter. Criteria: Invitae Variant Classification Sherloc (09022015). Collection method: clinical testing. Allele origin: germline.
Comment: This sequence change replaces tyrosine, which is neutral and polar, with histidine, which is basic and polar, at codon 2641 of the PIEZO2 protein (p.Tyr2641His). This variant is present in population databases (rs753719142, gnomAD 0.003%). This variant has not been reported in the literature in individuals affected with PIEZO2-related conditions. ClinVar contains an entry for this variant (Variation ID: 1690795). Invitae Evidence Modeling of protein sequence and biophysical properties (such as structural, functional, and spatial information, amino acid conservation, physicochemical variation, residue mobility, and thermodynamic stability) indicates that this missense variant is not expected to disrupt PIEZO2 protein function with a negative predictive value of 95%. In summary, the available evidence is currently insufficient to determine the role of this variant in disease. Therefore, it has been classified as a Variant of Uncertain Significance.

Laboratorio de Genetica e Diagnostico Molecular, Hospital Israelita Albert Einstein
Classification: Uncertain significance. Last evaluated: 2020-02-10. Review status: criteria provided, single submitter. Criteria: ACMG Guidelines, 2015. Collection method: clinical testing. Allele origin: germline. Affected: yes.
Comment: ACMG classification criteria: PM2, BP4

NM_001378183.1(PIEZO2):c.8260T>C (p.Tyr2754His)

Gene: PIEZO2 (piezo type mechanosensitive ion channel component 2; minus strand). Cytogenetic location: 18p11.22.
Variant type: single nucleotide variant.
Coding change: c.8260T>C on transcript NM_001378183.1 (MANE Select); coding-DNA position 8260, T replaced by C.
Protein change: p.Tyr2754His; replaces tyrosine 2754 with histidine.
Molecular consequence: missense variant.
Genome position (GRCh38, 1-based): chr18:10,672,775, A>G on the plus strand (T>C on the coding strand, the complement: PIEZO2 is on the minus strand). VCF-style: chr18-10672775-A-G. GRCh37 (hg19) VCF-style: chr18-10672772-A-G.
Other names: c.7921T>C, p.Tyr2641His (NM_022068.4); short protein forms Y2641H, Y2754H.
Identifiers: ClinVar variation 1690795 (VCV001690795.7), dbSNP rs753719142, ClinGen allele CA8891770.